The following is an entry in ClinVar:

NM_033100.4(CDHR1):c.1783-2A>G

Gene: CDHR1 (cadherin related family member 1; plus strand). Cytogenetic location: 10q23.1.
Variant type: single nucleotide variant.
Coding change: c.1783-2A>G on transcript NM_033100.4 (MANE Select); the canonical splice acceptor site of the intron before coding-DNA position 1783, A replaced by G.
Molecular consequence: splice acceptor variant.
Genome position (GRCh38, 1-based): chr10:84,213,089, A>G. VCF-style: chr10-84213089-A-G. GRCh37 (hg19) VCF-style: chr10-85972845-A-G.
Other names: c.1783-2A>G (NM_001171971.3).
Identifiers: ClinVar variation 1481355 (VCV001481355.6), dbSNP rs2132833489, ClinGen allele CA377378237.

ClinVar aggregate classification (germline): Likely pathogenic (1 of 4 stars; one submission).

Submission:

Labcorp Genetics (formerly Invitae), Labcorp
Classification: Likely pathogenic. Last evaluated: 2021-08-31. Review status: criteria provided, single submitter. Criteria: Invitae Variant Classification Sherloc (09022015). Collection method: clinical testing. Allele origin: germline.
Comment: This sequence change affects an acceptor splice site in intron 15 of the CDHR1 gene. It is expected to disrupt RNA splicing. Variants that disrupt the donor or acceptor splice site typically lead to a loss of protein function (PMID: 16199547), and loss-of-function variants in CDHR1 are known to be pathogenic (PMID: 23044944, 23591405, 26103963, 26261414). This variant is not present in population databases (ExAC no frequency). This variant has not been reported in the literature in individuals affected with CDHR1-related conditions. Algorithms developed to predict the effect of sequence changes on RNA splicing suggest that this variant may disrupt the consensus splice site. In summary, the currently available evidence indicates that the variant is pathogenic, but additional data are needed to prove that conclusively. Therefore, this variant has been classified as Likely Pathogenic.

Literature cited by the submitters: PubMed 16199547; PubMed 23044944; PubMed 23591405; PubMed 26103963; PubMed 26261414.